The following is an entry in ClinVar:

NM_001271700.2(ANKRD61):c.564C>T (p.Thr188=)

Genes: ANKRD61 (ankyrin repeat domain 61; plus strand), EIF2AK1 (eukaryotic translation initiation factor 2 alpha kinase 1; minus strand). Cytogenetic location: 7p22.1.
Variant type: single nucleotide variant.
Coding change: c.564C>T on transcript NM_001271700.2 (MANE Select); coding-DNA position 564, C replaced by T.
Protein change: p.Thr188=; no amino-acid change (threonine 188 retained).
Molecular consequence: synonymous variant. On other transcripts: intron variant (2).
Genome position (GRCh38, 1-based): chr7:6,035,693, C>T. VCF-style: chr7-6035693-C-T. GRCh37 (hg19) VCF-style: chr7-6075324-C-T.
Other names: c.1329+1731G>A (NM_001134335.2); c.1332+1731G>A (NM_014413.4).
Identifiers: ClinVar variation 4084411 (VCV004084411.8).
Genomic context (GRCh38, chr7:6,035,693, plus strand): 5'-ACGTTCACCACTCCACCTGGCCATAGCATATGGTTGCTATCCAGTTCTCTCCATTTTGAC[C>T]CAAAATGGTGCCGATGTCAATGCTATTAATGAAGCCAGCATGACACCCCTTCACATGGCC-3'
Protein context (NP_001258629.1, residues 178-198): YGCYPVLSIL[Thr188=]QNGADVNAIN

ClinVar aggregate classification (germline): Likely benign (1 of 4 stars; one submission).

gnomAD v4.1: 1 of 1,550,626 alleles (0.000064%); highest among the groups gnomAD compares: South Asian, 0.0012%; no homozygotes.

Submission:

CeGaT Center for Human Genetics Tuebingen
Classification: Likely benign. Last evaluated: 2025-08-01. Review status: criteria provided, single submitter. Criteria: CeGaT Center For Human Genetics Tuebingen Variant Classification Criteria Version 2. Collection method: clinical testing. Allele origin: germline. Affected: yes. Observed: 1 variant allele.
Comment: ANKRD61: BP4, BP7